The following is an entry in ClinVar:

ClinVar aggregate classification (germline): Uncertain significance. Review status: criteria provided, multiple submitters, no conflicts (2 of 4 stars). 2 submissions from 2 submitters: Uncertain significance (2). Last evaluated 2025-04-11.

Conditions:
Inborn genetic diseases. Identifiers: MedGen C0950123, MeSH D030342.

Allele frequency attached by ClinVar (database versions not stated): TOPMed 0.00007; ExAC 0.00005; gnomAD 0.00007; gnomAD exomes 0.00008.
gnomAD v4.1: 128 of 1,602,508 alleles (0.008%); highest among the groups gnomAD compares: Non-Finnish European, 0.01%; no homozygotes.

Submissions (2):

Ambry Genetics
Classification: Uncertain significance for Inborn genetic diseases. Last evaluated: 2025-04-11. Review status: criteria provided, single submitter. Criteria: Ambry Variant Classification Scheme 2023. Collection method: clinical testing. Allele origin: germline.

Labcorp Genetics (formerly Invitae), Labcorp
Classification: Uncertain significance. Last evaluated: 2022-06-28. Review status: criteria provided, single submitter. Criteria: Invitae Variant Classification Sherloc (09022015). Collection method: clinical testing. Allele origin: germline.
Comment: This sequence change replaces threonine, which is neutral and polar, with alanine, which is neutral and non-polar, at codon 20 of the PIGB protein (p.Thr20Ala). The frequency data for this variant in the population databases is considered unreliable, as metrics indicate poor data quality at this position in the gnomAD database. This variant has not been reported in the literature in individuals affected with PIGB-related conditions. Algorithms developed to predict the effect of missense changes on protein structure and function output the following: SIFT: "Tolerated"; PolyPhen-2: "Benign"; Align-GVGD: "Class C0". The alanine amino acid residue is found in multiple mammalian species, which suggests that this missense change does not adversely affect protein function. In summary, the available evidence is currently insufficient to determine the role of this variant in disease. Therefore, it has been classified as a Variant of Uncertain Significance.

NM_004855.5(PIGB):c.58A>G (p.Thr20Ala)

Genes: PIGB (phosphatidylinositol glycan anchor biosynthesis class B; plus strand), LOC130057104 (ATAC-STARR-seq lymphoblastoid active region 9443; plus strand). Cytogenetic location: 15q21.3.
Variant type: single nucleotide variant.
Coding change: c.58A>G on transcript NM_004855.5 (MANE Select); coding-DNA position 58, A replaced by G.
Protein change: p.Thr20Ala; replaces threonine 20 with alanine.
Molecular consequence: missense variant.
Genome position (GRCh38, 1-based): chr15:55,319,308, A>G. VCF-style: chr15-55319308-A-G. GRCh37 (hg19) VCF-style: chr15-55611506-A-G.
Other names: c.58A>G (NM_004855.4); short protein forms T20A.
Identifiers: ClinVar variation 2196383 (VCV002196383.3), dbSNP rs765467670, ClinGen allele CA7573756.
Genomic context (GRCh38, chr15:55,319,308, plus strand): 5'-GGGATGAGGAGGCCCCTAAGCAAGTGCGGAATGGAGCCGGGGGGCGGAGATGCCAGCCTC[A>G]CTTTGCATGGTCTCCAGAACCGCTCCCACGGCAAGATAAAGCTGCGAAAGAGAAAGTCTA-3'
Protein context (NP_004846.4, residues 10-30): MEPGGGDASL[Thr20Ala]LHGLQNRSHG